The following is an entry in ClinVar:

NM_022893.4(BCL11A):c.793del (p.Leu265fs)

Gene: BCL11A (BCL11 transcription factor A; minus strand). Cytogenetic location: 2p16.1.
Variant type: Deletion.
Coding change: c.793del on transcript NM_022893.4 (MANE Select); coding-DNA position 793, one base deleted (C; older notation c.793delC).
Protein change: p.Leu265fs; shifts the reading frame from leucine 265.
Molecular consequence: frameshift variant. On other transcripts: intron variant (9).
Genome position (GRCh38, 1-based): chr2:60,462,119, G deleted on the plus strand (C on the coding strand, the reverse complement: BCL11A is on the minus strand); the first of 7 consecutive G bases (chr2:60,462,119-60,462,125); deleting any one gives the same sequence. VCF-style (leftmost placement, unchanged base first): chr2-60462118-AG-A. GRCh37 (hg19) VCF-style: chr2-60689253-AG-A.
Other names: c.691del, p.Leu231fs (NM_001363864.1, NM_001365609.1, NM_001405711.1 and 2 more transcripts); c.793del, p.Leu265fs (NM_001405708.1, NM_001405709.1, NM_001405710.1 and 1 more transcripts); c.637del, p.Leu213fs (NM_001405713.1, NM_001405714.1, NM_001405715.1 and 3 more transcripts); c.535del, p.Leu179fs (NM_001405717.1, NM_001405718.1, NM_001405724.1); c.460del, p.Leu154fs (NM_001405720.1, NM_001405721.1); c.337del, p.Leu113fs (NM_001405725.1, NM_001405726.1, NM_001405727.1 and 1 more transcripts); c.630+163del (NM_138559.2, NM_001405732.1, NM_001405730.1); c.528+163del (NM_001405733.1); and 3 more; short protein forms L179fs, L154fs, L213fs, L113fs, L231fs, L265fs.
Identifiers: ClinVar variation 4055760 (VCV004055760.1).

ClinVar aggregate classification (germline): Pathogenic (1 of 4 stars; one submission).

Submission:

GeneDx
Classification: Pathogenic. Last evaluated: 2025-01-03. Review status: criteria provided, single submitter. Criteria: GeneDx Variant Classification Process June 2021. Collection method: clinical testing. Allele origin: germline. Affected: yes.
Comment: Frameshift variant predicted to result in abnormal protein length as the last 571 amino acid(s) are replaced with 14 different amino acid(s), and other similar variants have been reported in HGMD; Not observed at significant frequency in large population cohorts (gnomAD); Has not been previously published as pathogenic or benign to our knowledge